The following is an entry in ClinVar:

ClinVar aggregate classification (germline): Uncertain significance. Review status: criteria provided, multiple submitters, no conflicts (2 of 4 stars). 3 submissions from 3 submitters: Uncertain significance (3). Last evaluated 2025-06-02.

Conditions:
Inborn genetic diseases. Identifiers: MedGen C0950123, MeSH D030342.
Mucopolysaccharidosis type 1. Also called: IDUA deficiency; MPS I. Identifiers: Orphanet 579, MedGen C0023786, MONDO:0001586.

Submissions (3):

Ambry Genetics
Classification: Uncertain significance for Inborn genetic diseases. Last evaluated: 2025-06-02. Review status: criteria provided, single submitter. Criteria: Ambry Variant Classification Scheme 2023. Collection method: clinical testing. Allele origin: germline.

Labcorp Genetics (formerly Invitae), Labcorp
Classification: Uncertain significance for Mucopolysaccharidosis type 1. Last evaluated: 2022-01-16. Review status: criteria provided, single submitter. Criteria: Invitae Variant Classification Sherloc (09022015). Collection method: clinical testing. Allele origin: germline.
Comment: This sequence change replaces proline, which is neutral and non-polar, with arginine, which is basic and polar, at codon 311 of the IDUA protein (p.Pro311Arg). The frequency data for this variant in the population databases is considered unreliable, as metrics indicate poor data quality at this position in the gnomAD database. This variant has not been reported in the literature in individuals affected with IDUA-related conditions. Algorithms developed to predict the effect of missense changes on protein structure and function are either unavailable or do not agree on the potential impact of this missense change (SIFT: "Tolerated"; PolyPhen-2: "Possibly Damaging"; Align-GVGD: "Class C0"). In summary, the available evidence is currently insufficient to determine the role of this variant in disease. Therefore, it has been classified as a Variant of Uncertain Significance.

Revvity Omics, Revvity
Classification: Uncertain significance. Last evaluated: 2019-07-06. Review status: criteria provided, single submitter. Criteria: ACMG Guidelines, 2015. Collection method: clinical testing. Allele origin: germline.

NM_000203.5(IDUA):c.932C>G (p.Pro311Arg)

Gene: IDUA (alpha-L-iduronidase; plus strand). Cytogenetic location: 4p16.3.
Variant type: single nucleotide variant.
Coding change: c.932C>G on transcript NM_000203.5 (MANE Select); coding-DNA position 932, C replaced by G.
Protein change: p.Pro311Arg; replaces proline 311 with arginine.
Molecular consequence: missense variant. On other transcripts: non-coding transcript variant (1).
Genome position (GRCh38, 1-based): chr4:1,002,121, C>G. VCF-style: chr4-1002121-C-G. GRCh37 (hg19) VCF-style: chr4-995909-C-G.
Other names: c.536C>G, p.Pro179Arg (NM_001363576.1); c.932C>G (NM_000203.3); short protein forms P179R, P311R.
Identifiers: ClinVar variation 2203590 (VCV002203590.6), dbSNP rs377684568, ClinGen allele CA91168521.
Genomic context (GRCh38, chr4:1,002,121, plus strand): 5'-CGGACACCCCCATTTACAACGACGAGGCGGACCCGCTGGTGGGCTGGTCCCTGCCACAGC[C>G]GTGGAGGGCGGACGTGACCTACGCGGCCATGGTGGTGAAGGTGGGCCGGCCCAACGCCCT-3'
Protein context (NP_000194.2, residues 301-321): DPLVGWSLPQ[Pro311Arg]WRADVTYAAM